The following is an entry in ClinVar:

NM_198253.3(TERT):c.1007G>A (p.Gly336Asp)

Gene: TERT (telomerase reverse transcriptase; minus strand). Cytogenetic location: 5p15.33.
Variant type: single nucleotide variant.
Coding change: c.1007G>A on transcript NM_198253.3 (MANE Select); coding-DNA position 1007, G replaced by A.
Protein change: p.Gly336Asp; replaces glycine 336 with aspartic acid.
Molecular consequence: missense variant. On other transcripts: non-coding transcript variant (2).
Genome position (GRCh38, 1-based): chr5:1,293,879, C>T on the plus strand (G>A on the coding strand, the complement: TERT is on the minus strand). VCF-style: chr5-1293879-C-T. GRCh37 (hg19) VCF-style: chr5-1293994-C-T.
Other names: c.1007G>A, p.Gly336Asp (NM_001193376.3); short protein forms G336D.
Identifiers: ClinVar variation 1009118 (VCV001009118.9), dbSNP rs1751172254, ClinGen allele CA359055969.

ClinVar aggregate classification (germline): Uncertain significance (1 of 4 stars; one submission).

Conditions:
Dyskeratosis congenita, autosomal dominant 2. Identifiers: MedGen C3151443, MONDO:0013521, OMIM 613989.
Idiopathic Pulmonary Fibrosis. Also called: Idiopathic fibrosing alveolitis, chronic form; idiopathic fibrosing alveolitis. Identifiers: Orphanet 2032, MedGen C1800706, MeSH D054990, MONDO:0800504.

Allele frequency attached by ClinVar (database versions not stated): gnomAD exomes below 0.00001.
gnomAD v4.1: 1 of 1,544,026 alleles (0.000065%); highest among the groups gnomAD compares: Non-Finnish European, 0.000087%; no homozygotes.

Submission:

Labcorp Genetics (formerly Invitae), Labcorp
Classification: Uncertain significance for Dyskeratosis congenita, autosomal dominant 2; Idiopathic Pulmonary Fibrosis. Last evaluated: 2020-08-01. Review status: criteria provided, single submitter. Criteria: Invitae Variant Classification Sherloc (09022015). Collection method: clinical testing. Allele origin: germline.
Comment: In summary, the available evidence is currently insufficient to determine the role of this variant in disease. Therefore, it has been classified as a Variant of Uncertain Significance. Algorithms developed to predict the effect of missense changes on protein structure and function output the following: SIFT: "Tolerated"; PolyPhen-2: "Benign"; Align-GVGD: "Class C0". The aspartic acid amino acid residue is found in multiple mammalian species, suggesting that this missense change does not adversely affect protein function. These predictions have not been confirmed by published functional studies and their clinical significance is uncertain. This variant has not been reported in the literature in individuals with TERT-related conditions. This variant is not present in population databases (ExAC no frequency). This sequence change replaces glycine with aspartic acid at codon 336 of the TERT protein (p.Gly336Asp). The glycine residue is weakly conserved and there is a moderate physicochemical difference between glycine and aspartic acid.